The following is an entry in ClinVar:

NM_003072.5(SMARCA4):c.1351C>T (p.Arg451Cys)

Gene: SMARCA4 (SWI/SNF related BAF chromatin remodeling complex subunit ATPase 4; plus strand). Cytogenetic location: 19p13.2.
Variant type: single nucleotide variant.
Coding change: c.1351C>T on transcript NM_003072.5 (MANE Select); coding-DNA position 1351, C replaced by T.
Protein change: p.Arg451Cys; replaces arginine 451 with cysteine.
Molecular consequence: missense variant. On other transcripts: non-coding transcript variant (1).
Genome position (GRCh38, 1-based): chr19:10,991,255, C>T. VCF-style: chr19-10991255-C-T. GRCh37 (hg19) VCF-style: chr19-11101931-C-T.
Other names: c.1351C>T (NM_001387283.1); c.1351C>T, p.Arg451Cys (NM_001128844.3, NM_001128845.2, NM_001128846.2 and 4 more transcripts); short protein forms R451C.
Identifiers: ClinVar variation 937431 (VCV000937431.23), dbSNP rs2086534839, ClinGen allele CA404060886.
Genomic context (GRCh38, chr19:10,991,255, plus strand): 5'-GAGACAGCCCTCAATGCTAAGGCCTACAAGCGCAGCAAGCGCCAGTCCCTGCGCGAGGCC[C>T]GCATCACTGAGAAGCTGGAGAAGCAGCAGAAGATCGAGCAGGAGCGCAAGCGCCGGCAGA-3'
Protein context (NP_003063.2, residues 441-461): RSKRQSLREA[Arg451Cys]ITEKLEKQQK

ClinVar aggregate classification (germline): Pathogenic/Likely pathogenic. Review status: criteria provided, multiple submitters, no conflicts (2 of 4 stars). 9 submissions from 8 submitters: Pathogenic (3); Likely pathogenic (5). 1 of the submissions does not count toward it. Last evaluated 2025-09-08.

Conditions:
Hereditary cancer-predisposing syndrome. Also called: Hereditary neoplastic syndrome; Hereditary Cancer Syndrome; Neoplastic Syndromes, Hereditary; Tumor predisposition. Identifiers: Orphanet 140162, MedGen C0027672, MeSH D009386, MONDO:0015356.
Intellectual disability, autosomal dominant 16 (CSS4). Also called: COFFIN-SIRIS SYNDROME 4. Identifiers: Orphanet 1465, MedGen C3553249, MONDO:0013821, OMIM 614609.
Rhabdoid tumor predisposition syndrome 2 (RTPS2). Identifiers: Orphanet 231108, Orphanet 69077, MedGen C2750074, MONDO:0013224, OMIM 613325.
SMARCA4-related disorder. Also called: SMARCA4-related condition.
SMARCA4-related BAFopathy.

Submissions (9):

Labcorp Genetics (formerly Invitae), Labcorp
Classification: Pathogenic for Rhabdoid tumor predisposition syndrome 2. Last evaluated: 2025-09-08. Review status: criteria provided, single submitter. Criteria: Invitae Variant Classification Sherloc (09022015). Collection method: clinical testing. Allele origin: germline.
Comment: This sequence change replaces arginine, which is basic and polar, with cysteine, which is neutral and slightly polar, at codon 451 of the SMARCA4 protein (p.Arg451Cys). This variant is not present in population databases (gnomAD no frequency). This missense change has been observed in individual(s) with Coffin–Siris syndrome (PMID: 29095814, 32686290). In at least one individual the variant was observed to be de novo. ClinVar contains an entry for this variant (Variation ID: 937431). Invitae Evidence Modeling of protein sequence and biophysical properties (such as structural, functional, and spatial information, amino acid conservation, physicochemical variation, residue mobility, and thermodynamic stability) indicates that this missense variant is expected to disrupt SMARCA4 protein function with a positive predictive value of 95%. For these reasons, this variant has been classified as Pathogenic.

GeneDx
Classification: Pathogenic. Last evaluated: 2025-07-25. Review status: criteria provided, single submitter. Criteria: GeneDx Variant Classification Process June 2021. Collection method: clinical testing. Allele origin: germline. Affected: yes.
Comment: Not observed at significant frequency in large population cohorts (gnomAD); In silico analysis supports that this missense variant has a deleterious effect on protein structure/function; This variant is associated with the following publications: (PMID: 29095814, 32686290, 34906496, 33057194, 35982159, 37500730)

Institute of Human Genetics, University of Leipzig Medical Center
Classification: Likely pathogenic for Intellectual disability, autosomal dominant 16. Last evaluated: 2025-06-27. Review status: criteria provided, single submitter. Criteria: ACMG Guidelines, 2015. Collection method: clinical testing. Allele origin: unknown. Inheritance: Autosomal dominant inheritance. Affected: yes.
Comment: Criteria applied: PS2_MOD,PS4_MOD,PM2,PM5_SUP,PP2

Ambry Genetics
Classification: Likely pathogenic for Hereditary cancer-predisposing syndrome. Last evaluated: 2024-12-19. Review status: criteria provided, single submitter. Criteria: Ambry Variant Classification Scheme 2023. Collection method: clinical testing. Allele origin: germline.
Comment: The p.R451C variant (also known as c.1351C>T), located in coding exon 7 of the SMARCA4 gene, results from a C to T substitution at nucleotide position 1351. The arginine at codon 451 is replaced by cysteine, an amino acid with highly dissimilar properties. This variant was reported in individual(s) with features consistent with Coffin-Siris syndrome; in at least one individual, it was determined to be de novo (Li D et al. Am J Med Genet A, 2020 Sep;182:2058-2067; Ambry internal data). This missense alteration is located in a region that has a low rate of benign missense variation (Lek M et al. Nature. 2016 Aug 18;536(7616):285-91; DECIPHER: Database of Chromosomal Imbalance and Phenotype in Humans using Ensembl Resources. Firth H.V. et al. 2009. Am.J.Hum.Genet. 84, 524-533 (DOI)). This variant is considered to be rare based on population cohorts in the Genome Aggregation Database (gnomAD). This amino acid position is highly conserved in available vertebrate species. In addition, the in silico prediction for this alteration is inconclusive. Missense and in-frame variants in SMARCA4 are known to cause neurodevelopmental disorders; however, such associations with rhabdoid tumor predisposition syndrome including small cell carcinoma of the ovary-hypercalcemic type (SCCOHT) are exceedingly rare (Kosho T et al. Am J Med Genet C Semin Med Genet. 2014 Sep;166C(3):262-75; Jelinic P et al. Nat Genet. 2014 May;46(5):424-6). Based on the supporting evidence, this alteration is likely pathogenic for Coffin-Siris syndrome; however, the association of this alteration with rhabdoid tumor predisposition syndrome is unlikely.

Mendelics
Classification: Pathogenic for Rhabdoid tumor predisposition syndrome 2. Last evaluated: 2022-05-04. Review status: criteria provided, single submitter. Criteria: Mendelics Assertion Criteria 2019. Collection method: clinical testing. Allele origin: germline.

Baylor Genetics
Classification: Likely pathogenic for SMARCA4-related BAFopathy. Last evaluated: 2021-06-10. Review status: criteria provided, single submitter. Criteria: ACMG Guidelines, 2015. Collection method: clinical testing. Allele origin: de novo. Affected: yes.

Blueprint Genetics
Classification: Likely pathogenic for SMARCA4-related disorders. Last evaluated: 2020-09-22. Review status: criteria provided, single submitter. Criteria: ACMG Guidelines, 2015. Collection method: clinical testing. Allele origin: germline. Affected: yes. Observed: 1 variant allele.

Baylor Genetics
Classification: Likely pathogenic for Intellectual disability, autosomal dominant 16. Last evaluated: 2018-01-02. Review status: criteria provided, single submitter. Criteria: ACMG Guidelines, 2015. Collection method: clinical testing. Allele origin: de novo. Affected: yes.
Comment: This variant was determined to be likely pathogenic according to ACMG Guidelines, 2015 [PMID:25741868].

Genome-Nilou Lab
Classification: Uncertain significance for Intellectual disability, autosomal dominant 16. Last evaluated: 2021-07-15. Review status: flagged submission. Criteria: ACMG Guidelines, 2015. Collection method: clinical testing. Allele origin: germline. Affected: no. Not counted in ClinVar's aggregate classification.
ClinVar note: Reason: Outlier claim with insufficient supporting evidence

Literature cited by the submitters: PubMed 29095814 (cited by Labcorp Genetics (formerly Invitae), Labcorp); PubMed 32686290 (cited by Labcorp Genetics (formerly Invitae), Labcorp and Ambry Genetics).